The following is an entry in ClinVar:

ClinVar aggregate classification (germline): Uncertain significance (1 of 4 stars; one submission).

Conditions:
Dyskeratosis congenita, autosomal dominant 2. Identifiers: MedGen C3151443, MONDO:0013521, OMIM 613989.
Idiopathic Pulmonary Fibrosis. Also called: Idiopathic fibrosing alveolitis, chronic form; idiopathic fibrosing alveolitis. Identifiers: Orphanet 2032, MedGen C1800706, MeSH D054990, MONDO:0800504.

Allele frequency attached by ClinVar (database versions not stated): gnomAD exomes below 0.00001.
gnomAD v4.1: 1 of 1,570,006 alleles (0.000064%); highest among the groups gnomAD compares: Non-Finnish European, 0.000086%; no homozygotes.

Submission:

Labcorp Genetics (formerly Invitae), Labcorp
Classification: Uncertain significance for Dyskeratosis congenita, autosomal dominant 2; Idiopathic Pulmonary Fibrosis. Last evaluated: 2022-11-17. Review status: criteria provided, single submitter. Criteria: Invitae Variant Classification Sherloc (09022015). Collection method: clinical testing. Allele origin: germline.
Comment: This sequence change replaces tyrosine, which is neutral and polar, with histidine, which is basic and polar, at codon 386 of the TERT protein (p.Tyr386His). This variant is not present in population databases (gnomAD no frequency). This variant has not been reported in the literature in individuals affected with TERT-related conditions. Advanced modeling of protein sequence and biophysical properties (such as structural, functional, and spatial information, amino acid conservation, physicochemical variation, residue mobility, and thermodynamic stability) performed at Invitae indicates that this missense variant is expected to disrupt TERT protein function. In summary, the available evidence is currently insufficient to determine the role of this variant in disease. Therefore, it has been classified as a Variant of Uncertain Significance.

NM_198253.3(TERT):c.1156T>C (p.Tyr386His)

Gene: TERT (telomerase reverse transcriptase; minus strand). Cytogenetic location: 5p15.33.
Variant type: single nucleotide variant.
Coding change: c.1156T>C on transcript NM_198253.3 (MANE Select); coding-DNA position 1156, T replaced by C.
Protein change: p.Tyr386His; replaces tyrosine 386 with histidine.
Molecular consequence: missense variant. On other transcripts: non-coding transcript variant (2).
Genome position (GRCh38, 1-based): chr5:1,293,730, A>G on the plus strand (T>C on the coding strand, the complement: TERT is on the minus strand). VCF-style: chr5-1293730-A-G. GRCh37 (hg19) VCF-style: chr5-1293845-A-G.
Other names: c.1156T>C, p.Tyr386His (NM_001193376.3, NM_003219.1); short protein forms Y386H.
Identifiers: ClinVar variation 2941357 (VCV002941357.3), dbSNP rs2478413747, ClinGen allele CA359086712.
Genomic context (GRCh38, chr5:1,293,730, plus strand): 5'-CGTAGGGGCACTGCGCGTGGTTCCCAAGCAGCTCCAGAAACAGGGGCCGCATTTGCCAGT[A>G]GCGCTGGGGCAGGCGGGGCAACCTGCGGGGAGTCCCTGGCATCCAGGGCCTGGAACCCAG-3'
Protein context (NP_937983.2, residues 376-396): PRRLPRLPQR[Tyr386His]WQMRPLFLEL